The following is an entry in ClinVar:

ClinVar aggregate classification (germline): Conflicting classifications of pathogenicity. Review status: criteria provided, conflicting classifications (1 of 4 stars). 9 submissions from 9 submitters: Uncertain significance (3); Likely benign (4). 2 of the submissions do not count toward it. Last evaluated 2025-10-11.

Conditions:
Atypical hemolytic-uremic syndrome with I factor anomaly. Also called: HEMOLYTIC UREMIC SYNDROME, ATYPICAL, SUSCEPTIBILITY TO, 3; AHUS, SUSCEPTIBILITY TO, 3. Identifiers: Orphanet 2134, MedGen C2752039, MONDO:0013041, OMIM 612923.
Age related macular degeneration 13. Identifiers: MedGen C3809523, MONDO:0014189, OMIM 615439.
Factor I deficiency (CFID). Also called: Complement factor I deficiency. Identifiers: Orphanet 200418, MedGen C3463916, MONDO:0012594, OMIM 610984.
Inborn genetic diseases. Identifiers: MedGen C0950123, MeSH D030342.
Atypical hemolytic-uremic syndrome. Identifiers: Orphanet 2134, MedGen C2931788, MONDO:0016244.

Allele frequency attached by ClinVar (database versions not stated): gnomAD exomes 0.00008 and 0.00001; gnomAD 0.00013 and 0.00014; TOPMed 0.00013; ExAC 0.00007.
gnomAD v4.1: 93 of 1,611,502 alleles (0.0058%); highest among the groups gnomAD compares: East Asian, 0.034%; no homozygotes.

Submissions (9):

Labcorp Genetics (formerly Invitae), Labcorp
Classification: Likely benign. Last evaluated: 2025-10-11. Review status: criteria provided, single submitter. Criteria: Invitae Variant Classification Sherloc (09022015). Collection method: clinical testing. Allele origin: germline.

Blueprint Genetics
Classification: Likely benign. Last evaluated: 2024-10-03. Review status: criteria provided, single submitter. Criteria: ACMG Guidelines, 2015. Collection method: clinical testing. Allele origin: germline.

Ambry Genetics
Classification: Uncertain significance for Inborn genetic diseases. Last evaluated: 2024-04-11. Review status: criteria provided, single submitter. Criteria: Ambry Variant Classification Scheme 2023. Collection method: clinical testing. Allele origin: germline.
Comment: The c.905-3T>C intronic alteration consists of a T to C substitution 3 nucleotides before coding exon 8 in the CFI gene. Based on insufficient or conflicting evidence, the clinical significance of this alteration remains unclear.

Fulgent Genetics
Classification: Likely benign for Factor I deficiency; Atypical hemolytic-uremic syndrome with I factor anomaly; Age related macular degeneration 13. Last evaluated: 2024-02-07. Review status: criteria provided, single submitter. Criteria: ACMG Guidelines, 2015. Collection method: clinical testing. Allele origin: germline.

Genome Diagnostics Laboratory, The Hospital for Sick Children
Classification: Likely benign for Atypical hemolytic-uremic syndrome. Last evaluated: 2020-02-01. Review status: criteria provided, single submitter. Criteria: ACMG Guidelines, 2015. Collection method: clinical testing. Allele origin: germline.

Illumina Laboratory Services, Illumina
Classification: Uncertain significance for Atypical hemolytic-uremic syndrome with I factor anomaly. Last evaluated: 2018-01-13. Review status: criteria provided, single submitter. Criteria: ICSL Variant Classification Criteria 13 December 2019. Collection method: clinical testing. Allele origin: germline.

Genetic Services Laboratory, University of Chicago
Classification: Uncertain significance. Last evaluated: 2017-09-14. Review status: criteria provided, single submitter. Criteria: ACMG Guidelines, 2015. Collection method: clinical testing. Allele origin: germline. Affected: no.

Genome Diagnostics Laboratory, University Medical Center Utrecht
Classification: Likely benign. Review status: no assertion criteria provided. Collection method: clinical testing. Allele origin: germline. Affected: yes. Study: VKGL Data-share Consensus. Not counted in ClinVar's aggregate classification.

Joint Genome Diagnostic Labs from Nijmegen and Maastricht, Radboudumc and MUMC+
Classification: Likely benign. Review status: no assertion criteria provided. Collection method: clinical testing. Allele origin: germline. Affected: yes. Study: VKGL Data-share Consensus. Not counted in ClinVar's aggregate classification.

NM_000204.5(CFI):c.905-3T>C

Gene: CFI (complement factor I; minus strand). Cytogenetic location: 4q25.
Variant type: single nucleotide variant.
Coding change: c.905-3T>C on transcript NM_000204.5 (MANE Select); 3 bases into the intron before coding-DNA position 905, T replaced by C.
Molecular consequence: intron variant.
Genome position (GRCh38, 1-based): chr4:109,752,506, A>G on the plus strand (T>C on the coding strand, the complement: CFI is on the minus strand). VCF-style: chr4-109752506-A-G. GRCh37 (hg19) VCF-style: chr4-110673662-A-G.
Other names: c.884-3T>C (NM_001375282.1, NM_001375280.1, NM_001331035.2); c.905-3T>C (NM_001375281.1, NM_001375279.1); c.929-3T>C (NM_001375278.1, NM_001318057.2); c.296-3T>C (NM_001375284.1); c.884-2904T>C (NM_001375283.1).
Identifiers: ClinVar variation 347164 (VCV000347164.23), dbSNP rs377535161, ClinGen allele CA3042091.